The following is an entry in ClinVar:

NM_001386140.1(MTTP):c.285G>C (p.Gln95His)

Gene: MTTP (microsomal triglyceride transfer protein; plus strand). Cytogenetic location: 4q23.
Variant type: single nucleotide variant.
Coding change: c.285G>C on transcript NM_001386140.1 (MANE Select); coding-DNA position 285, G replaced by C.
Protein change: p.Gln95His; replaces glutamine 95 with histidine.
Molecular consequence: missense variant.
Genome position (GRCh38, 1-based): chr4:99,583,409, G>C. VCF-style: chr4-99583409-G-C. GRCh37 (hg19) VCF-style: chr4-100504566-G-C.
Other names: c.285G>C, p.Gln95His (NM_000253.4); c.36G>C, p.Gln12His (NM_001300785.2); short protein forms Q95H, Q12H.
Identifiers: ClinVar variation 197124 (VCV000197124.22), dbSNP rs61733139, ClinGen allele CA202705.

ClinVar aggregate classification (germline): Benign. Review status: criteria provided, multiple submitters, no conflicts (2 of 4 stars). 8 submissions from 8 submitters: Benign (7). 1 of the submissions does not count toward it. Last evaluated 2026-02-04.

Conditions:
Abetalipoproteinaemia (ABL). Also called: Abetalipoproteinemia; Abetalipoproteinemia neuropathy; Apolipoprotein B deficiency; Congenital betalipoprotein deficiency syndrome; MTP DEFICIENCY. Identifiers: Orphanet 14, MedGen C0000744, MONDO:0008692, OMIM 200100, HP:0008181.

Allele frequency attached by ClinVar (database versions not stated): gnomAD 0.04813 and 0.04959; 1000 Genomes Project 30x 0.03560; ExAC 0.04064; 1000 Genomes Project 0.03654; gnomAD exomes 0.04046; TOPMed 0.05086; ESP Exome Variant Server 0.05345.
gnomAD v4.1: 85,612 of 1,613,172 alleles (5.3%); highest among the groups gnomAD compares: Non-Finnish European, 6%; 2,562 homozygotes.

Submissions (8):

Labcorp Genetics (formerly Invitae), Labcorp
Classification: Benign. Last evaluated: 2026-02-04. Review status: criteria provided, single submitter. Criteria: Invitae Variant Classification Sherloc (09022015). Collection method: clinical testing. Allele origin: germline.

Women's Health and Genetics/Laboratory Corporation of America, LabCorp
Classification: Benign. Last evaluated: 2021-04-29. Review status: criteria provided, single submitter. Criteria: LabCorp Variant Classification Summary - May 2015. Collection method: clinical testing. Allele origin: germline.
Comment: Variant summary: MTTP c.285G>C (p.Gln95His) results in a non-conservative amino acid change located in the Lipid transport protein, N-terminal domain (IPR001747) of the encoded protein sequence. Four of five in-silico tools predict a benign effect of the variant on protein function. The variant allele was found at a frequency of 0.04 in 248844 control chromosomes in the gnomAD database, including 277 homozygotes. The observed variant frequency is approximately 38- fold the estimated maximal expected allele frequency for a pathogenic variant in MTTP causing Abetalipoproteinaemia (Bassen-Kornzweig Syndrome) phenotype (0.0011), strongly suggesting that the variant is benign. One other clinical diagnostic laboratory has submitted clinical-significance assessments for this variant to ClinVar after 2014 without evidence for independent evaluation, citing the variant as benign. Based on the evidence outlined above, the variant was classified as benign.

Mayo Clinic Laboratories, Mayo Clinic
Classification: Benign. Last evaluated: 2019-09-05. Review status: criteria provided, single submitter. Criteria: ACMG Guidelines, 2015. Collection method: clinical testing. Allele origin: germline. Observed: 189 variant alleles.

GeneDx
Classification: Benign. Last evaluated: 2018-09-22. Review status: criteria provided, single submitter. Criteria: GeneDx Variant Classification Process June 2021. Collection method: clinical testing. Allele origin: germline. Affected: yes.

Illumina Laboratory Services, Illumina
Classification: Benign for Abetalipoproteinaemia. Last evaluated: 2018-01-12. Review status: criteria provided, single submitter. Criteria: ICSL Variant Classification Criteria 13 December 2019. Collection method: clinical testing. Allele origin: germline.
Comment: This variant was observed in the ICSL laboratory as part of a predisposition screen in an ostensibly healthy population. It had not been previously curated by ICSL or reported in the Human Gene Mutation Database (HGMD: prior to June 1st, 2018), and was therefore a candidate for classification through an automated scoring system. Utilizing variant allele frequency, disease prevalence and penetrance estimates, and inheritance mode, an automated score was calculated to assess if this variant is too frequent to cause the disease. Based on the score and internal cut-off values, a variant classified as benign is not then subjected to further curation. The score for this variant resulted in a classification of benign for this disease.

Eurofins Ntd Llc (ga)
Classification: Benign. Last evaluated: 2014-05-09. Review status: criteria provided, single submitter. Criteria: EGL Classification Definitions 2015. Collection method: clinical testing. Allele origin: germline. Observed: 1 variant allele, 1 heterozygote.

Breakthrough Genomics
Classification: Benign. Review status: criteria provided, single submitter. Criteria: ACMG Guidelines, 2015. Collection method: not provided. Allele origin: germline. Inheritance: Autosomal recessive inheritance. Affected: yes.

Natera, Inc.
Classification: Benign for Abetalipoproteinemia. Last evaluated: 2019-11-22. Review status: no assertion criteria provided. Collection method: clinical testing. Allele origin: germline. Not counted in ClinVar's aggregate classification.